The following is an entry in ClinVar:

NM_000135.4(FANCA):c.1756G>A (p.Ala586Thr)

Gene: FANCA (FA complementation group A; minus strand). Cytogenetic location: 16q24.3.
Variant type: single nucleotide variant.
Coding change: c.1756G>A on transcript NM_000135.4 (MANE Select); coding-DNA position 1756, G replaced by A.
Protein change: p.Ala586Thr; replaces alanine 586 with threonine.
Molecular consequence: missense variant.
Genome position (GRCh38, 1-based): chr16:89,778,963, C>T on the plus strand (G>A on the coding strand, the complement: FANCA is on the minus strand). VCF-style: chr16-89778963-C-T. GRCh37 (hg19) VCF-style: chr16-89845371-C-T.
Other names: c.1756G>A (NM_000135.3); c.1756G>A, p.Ala586Thr (NM_001286167.3); short protein forms A586T.
Identifiers: ClinVar variation 849197 (VCV000849197.16), dbSNP rs201212806, ClinGen allele CA8252118.

ClinVar aggregate classification (germline): Conflicting classifications of pathogenicity. Review status: criteria provided, conflicting classifications (1 of 4 stars). 7 submissions from 7 submitters: Uncertain significance (4); Likely benign (2). 1 of the submissions does not count toward it. Last evaluated 2025-11-06.

Conditions:
Fanconi anemia complementation group A (FANCA). Also called: Fanconi anemia, group A; FANCA-Related Fanconi Anemia. Identifiers: Orphanet 84, MedGen C3469521, MONDO:0009215, OMIM 227650.
Fanconi anemia (FA). Also called: Fanconi's anemia. Identifiers: Orphanet 84, MedGen C0015625, MeSH D005199, MONDO:0019391.

Allele frequency attached by ClinVar (database versions not stated): ExAC 0.00002; gnomAD exomes 0.00002 and 0.00003; TOPMed 0.00003; gnomAD 0.00006; ESP Exome Variant Server 0.00015; 1000 Genomes Project 30x 0.00016; 1000 Genomes Project 0.00020.
gnomAD v4.1: 39 of 1,613,970 alleles (0.0024%); highest among the groups gnomAD compares: East Asian, 0.018%; no homozygotes.

Submissions (7):

Labcorp Genetics (formerly Invitae), Labcorp
Classification: Likely benign for Fanconi anemia. Last evaluated: 2025-11-06. Review status: criteria provided, single submitter. Criteria: Invitae Variant Classification Sherloc (09022015). Collection method: clinical testing. Allele origin: germline.

Quest Diagnostics Nichols Institute San Juan Capistrano
Classification: Uncertain significance. Last evaluated: 2025-10-09. Review status: criteria provided, single submitter. Criteria: Quest Diagnostics criteria. Collection method: clinical testing. Allele origin: unknown.
Comment: The FANCA c.1756G>A (p.Ala586Thr) variant has been reported in the published literature in an individual with ovarian cancer (PMID: 38509102 (2024)). The frequency of this variant in the general population (Genome Aggregation Database) is uninformative in the assessment of its pathogenicity. Analysis of this variant using bioinformatics tools for the prediction of the effect of amino acid changes on protein structure and function yielded predictions that this variant is benign. Based on the available information, we are unable to determine the clinical significance of this variant.

ARUP Laboratories, Molecular Genetics and Genomics, ARUP Laboratories
Classification: Likely benign for Fanconi anemia complementation group A. Last evaluated: 2024-06-19. Review status: criteria provided, single submitter. Criteria: ARUP Molecular Germline Variant Investigation Process 2024. Collection method: clinical testing. Allele origin: germline.

Sema4
Classification: Uncertain significance for Fanconi anemia. Last evaluated: 2021-09-28. Review status: criteria provided, single submitter. Criteria: Sema4 Curation Guidelines. Collection method: curation. Allele origin: germline.
Comment: The FANCA c.1756G>A (p.A586T) variant has been reported as a somatic variant in at least 2 individuals with renal cell carcinoma and medulloblastoma (PMIDs 31627758, 22820256). This variant was observed in 7/19952 chromosomes in the East Asian population according to the Genome Aggregation Database (PMID: 32461654). This variant has been reported in ClinVar (Variation ID 849197). Functional studies have not been performed, and in silico predictions of the variant's effect on protein function are inconclusive. The overall evidence is insufficient to meet ACMG/AMP criteria for classifying it as benign or pathogenic. In summary, the clinical significance of this variant is currently uncertain.

Illumina Laboratory Services, Illumina
Classification: Uncertain significance for Fanconi anemia complementation group A. Last evaluated: 2018-01-12. Review status: criteria provided, single submitter. Criteria: ICSL Variant Classification Criteria 13 December 2019. Collection method: clinical testing. Allele origin: germline.

Neuberg Centre For Genomic Medicine, NCGM
Classification: Uncertain significance for Fanconi anemia complementation group A. Review status: criteria provided, single submitter. Criteria: ACMG Guidelines, 2015. Collection method: clinical testing. Allele origin: germline. Inheritance: Autosomal recessive inheritance. Affected: yes.
Comment: The missense c.1756G>A (p.Ala586Thr) variant in FANCA gene has not been reported previously as a pathogenic variant nor as a benign variant, to our knowledge. The p.Ala586Thr variant is reported with an allele frequency of 0.003% in the gnomAD exomes database. This variant has been reported to the ClinVar database as Likely Benign / Uncertain Significance (multiple submissions). The amino acid change p.Ala586Thr in FANCA is predicted as conserved by GERP++ and PhyloP across 100 vertebrates. The amino acid Ala at position 586 is changed to a Thr changing protein sequence and it might alter its composition and physico-chemical properties. For these reasons, this variant has been classified as a Variant of Uncertain Significance (VUS).

Natera, Inc.
Classification: Uncertain significance for Fanconi anemia. Last evaluated: 2020-03-07. Review status: no assertion criteria provided. Collection method: clinical testing. Allele origin: germline. Not counted in ClinVar's aggregate classification.

Literature cited by the submitters: PubMed 38509102 (cited by Quest Diagnostics Nichols Institute San Juan Capistrano).